The following is an entry in ClinVar:

NM_001105247.2(ARMC5):c.858C>T (p.Leu286=)

Gene: ARMC5 (armadillo repeat containing 5; plus strand). Cytogenetic location: 16p11.2.
Variant type: single nucleotide variant.
Coding change: c.858C>T on transcript NM_001105247.2 (MANE Select); coding-DNA position 858, C replaced by T.
Protein change: p.Leu286=; no amino-acid change (leucine 286 retained).
Molecular consequence: synonymous variant.
Genome position (GRCh38, 1-based): chr16:31,462,405, C>T. VCF-style: chr16-31462405-C-T. GRCh37 (hg19) VCF-style: chr16-31473726-C-T.
Other names: c.1143C>T, p.Leu381= (NM_001288767.2); c.954C>T, p.Leu318= (NM_001301820.1); c.858C>T, p.Leu286= (NM_024742.2); c.1143C>T (NM_001288767.1).
Identifiers: ClinVar variation 714225 (VCV000714225.7), dbSNP rs373679116, ClinGen allele CA8029566.

ClinVar aggregate classification (germline): Likely benign. Review status: criteria provided, multiple submitters, no conflicts (2 of 4 stars). 4 submissions from 4 submitters: Likely benign (3). 1 of the submissions does not count toward it. Last evaluated 2024-10-14.

Conditions:
ARMC5-related disorder. Also called: ARMC5-related condition.

Allele frequency attached by ClinVar (database versions not stated): 1000 Genomes Project 30x 0.00016; ESP Exome Variant Server 0.00016; 1000 Genomes Project 0.00020; TOPMed 0.00020; gnomAD 0.00021.

Submissions (4):

Blueprint Genetics
Classification: Likely benign. Last evaluated: 2024-10-14. Review status: criteria provided, single submitter. Criteria: ACMG Guidelines, 2015. Collection method: clinical testing. Allele origin: germline.

Labcorp Genetics (formerly Invitae), Labcorp
Classification: Likely benign. Last evaluated: 2018-01-08. Review status: criteria provided, single submitter. Criteria: Invitae Variant Classification Sherloc (09022015). Collection method: clinical testing. Allele origin: germline.

Breakthrough Genomics
Classification: Likely benign. Review status: criteria provided, single submitter. Criteria: ACMG Guidelines, 2015. Collection method: not provided. Allele origin: germline. Inheritance: Autosomal dominant inheritance. Affected: yes.

PreventionGenetics, part of Exact Sciences
Classification: Likely benign for ARMC5-related condition. Last evaluated: 2019-06-05. Review status: no assertion criteria provided. Collection method: clinical testing. Allele origin: germline. Not counted in ClinVar's aggregate classification.
Comment: This variant is classified as likely benign based on ACMG/AMP sequence variant interpretation guidelines (Richards et al. 2015 PMID: 25741868, with internal and published modifications).